The following is an entry in ClinVar:

NM_017617.5(NOTCH1):c.5385-8C>G

Gene: NOTCH1 (notch receptor 1; minus strand). Cytogenetic location: 9q34.3.
Variant type: single nucleotide variant.
Coding change: c.5385-8C>G on transcript NM_017617.5 (MANE Select); 8 bases into the intron before coding-DNA position 5385, C replaced by G.
Molecular consequence: intron variant.
Genome position (GRCh38, 1-based): chr9:136,502,096, G>C on the plus strand (C>G on the coding strand, the complement: NOTCH1 is on the minus strand). VCF-style: chr9-136502096-G-C. GRCh37 (hg19) VCF-style: chr9-139396548-G-C.
Identifiers: ClinVar variation 3033700 (VCV003033700.2), dbSNP rs758203250, ClinGen allele CA2740090829.

ClinVar aggregate classification (germline): Uncertain significance (0 of 4 stars; one submission).

Conditions:
NOTCH1-related disorder. Also called: NOTCH1-related condition; NOTCH1-related disorders.

Submission:

PreventionGenetics, part of Exact Sciences
Classification: Uncertain significance for NOTCH1-related condition. Last evaluated: 2023-10-25. Review status: no assertion criteria provided. Collection method: clinical testing. Allele origin: germline.
Comment: The NOTCH1 c.5385-8C>G variant is predicted to interfere with splicing. This variant is predicted to significantly weaken the canonical splice acceptor site and create a cryptic acceptor site which would result in a frameshift and premature protein truncation. However, such computer prediction programs are imperfect. To our knowledge, this variant has not been reported in the literature or in a large population database, indicating this variant is rare. At this time, the clinical significance of this variant is uncertain due to the absence of conclusive functional and genetic evidence.